The following is an entry in ClinVar:

ClinVar aggregate classification (germline): Likely benign. Review status: criteria provided, multiple submitters, no conflicts (2 of 4 stars). 3 submissions from 3 submitters: Likely benign (3). Last evaluated 2024-09-05.

Conditions:
Familial cancer of breast. Also called: BREAST CANCER, FAMILIAL; hereditary breast carcinoma; Hereditary breast cancer. Identifiers: Orphanet 227535, MedGen C0346153, MONDO:0016419, OMIM 114480. Disease mechanism: loss of function.
Fanconi anemia complementation group J. Also called: BRIP1-Related Fanconi Anemia. Identifiers: Orphanet 84, MedGen C1836860, MONDO:0012187, OMIM 609054.

Submissions (3):

Myriad Genetics, Inc.
Classification: Likely benign for Familial cancer of breast. Last evaluated: 2024-09-05. Review status: criteria provided, single submitter. Criteria: Myriad Autosomal Dominant, Autosomal Recessive and X-Linked Classification Criteria (2023). Collection method: clinical testing. Allele origin: unknown.
Comment: This variant is considered likely benign. This variant is intronic and is not expected to impact mRNA splicing.

Labcorp Genetics (formerly Invitae), Labcorp
Classification: Likely benign for Familial cancer of breast; Fanconi anemia complementation group J. Last evaluated: 2024-08-04. Review status: criteria provided, single submitter. Criteria: Invitae Variant Classification Sherloc (09022015). Collection method: clinical testing. Allele origin: germline.

GeneDx
Classification: Likely benign. Last evaluated: 2016-02-25. Review status: criteria provided, single submitter. Criteria: GeneDx Variant Classification (06012015). Collection method: clinical testing. Allele origin: germline. Affected: yes.
Comment: This variant is considered likely benign or benign based on one or more of the following criteria: it is a conservative change, it occurs at a poorly conserved position in the protein, it is predicted to be benign by multiple in silico algorithms, and/or has population frequency not consistent with disease.

NM_032043.3(BRIP1):c.2576-19G>T

Gene: BRIP1 (BRCA1 interacting DNA helicase 1; minus strand). Cytogenetic location: 17q23.2.
Variant type: single nucleotide variant.
Coding change: c.2576-19G>T on transcript NM_032043.3 (MANE Select); 19 bases into the intron before coding-DNA position 2576, G replaced by T.
Molecular consequence: intron variant.
Genome position (GRCh38, 1-based): chr17:61,686,184, C>A on the plus strand (G>T on the coding strand, the complement: BRIP1 is on the minus strand). VCF-style: chr17-61686184-C-A. GRCh37 (hg19) VCF-style: chr17-59763545-C-A.
Identifiers: ClinVar variation 384184 (VCV000384184.4), dbSNP rs1057521888, ClinGen allele CA16607742.